The following is an entry in ClinVar:

ClinVar aggregate classification (germline): Likely benign (1 of 4 stars; one submission).

gnomAD v4.1: 31 of 1,603,040 alleles (0.0019%); highest among the groups gnomAD compares: Middle Eastern, 0.034%; no homozygotes.

Submission:

CeGaT Center for Human Genetics Tuebingen
Classification: Likely benign. Last evaluated: 2026-07-01. Review status: criteria provided, single submitter. Criteria: CeGaT Center For Human Genetics Tuebingen Variant Classification Criteria Version 2. Collection method: clinical testing. Allele origin: germline. Affected: yes. Observed: 1 variant allele.
Comment: RTL1: BP4, BP7

NM_001134888.3(RTL1):c.48G>A (p.Lys16=)

Genes: MIR136 (microRNA 136; plus strand), RTL1 (retrotransposon Gag like 1; minus strand). Cytogenetic location: 14q32.2.
Variant type: single nucleotide variant.
Coding change: c.48G>A on transcript NM_001134888.3 (MANE Select); coding-DNA position 48, G replaced by A.
Protein change: p.Lys16=; no amino-acid change (lysine 16 retained).
Molecular consequence: synonymous variant. On other transcripts: non-coding transcript variant (1).
Genome position (GRCh38, 1-based): chr14:100,884,741, C>T on the plus strand (G>A on the coding strand, the complement: RTL1 is on the minus strand). VCF-style: chr14-100884741-C-T. GRCh37 (hg19) VCF-style: chr14-101351078-C-T.
Other names: c.48G>A, p.Lys16= (NM_001425285.1).
Identifiers: ClinVar variation 5039386 (VCV005039386.1).